The following is an entry in ClinVar:

ClinVar aggregate classification (germline): Conflicting classifications of pathogenicity. Review status: criteria provided, conflicting classifications (1 of 4 stars). 3 submissions from 3 submitters: Uncertain significance (1); Likely benign (2). Last evaluated 2025-12-09.

Conditions:
Inborn genetic diseases. Identifiers: MedGen C0950123, MeSH D030342.

Allele frequency attached by ClinVar (database versions not stated): gnomAD 0.00004 and 0.00007; gnomAD exomes 0.00016 and 0.00027; TOPMed 0.00017; ExAC 0.00026.
gnomAD v4.1: 242 of 1,614,024 alleles (0.015%); highest among the groups gnomAD compares: East Asian, 0.26%; no homozygotes.

Submissions (3):

Labcorp Genetics (formerly Invitae), Labcorp
Classification: Likely benign. Last evaluated: 2025-12-09. Review status: criteria provided, single submitter. Criteria: Invitae Variant Classification Sherloc (09022015). Collection method: clinical testing. Allele origin: germline.

Ambry Genetics
Classification: Likely benign for Inborn genetic diseases. Last evaluated: 2024-05-28. Review status: criteria provided, single submitter. Criteria: Ambry Variant Classification Scheme 2023. Collection method: clinical testing. Allele origin: germline.

GeneDx
Classification: Uncertain significance. Last evaluated: 2019-08-14. Review status: criteria provided, single submitter. Criteria: GeneDx Variant Classification Process June 2021. Collection method: clinical testing. Allele origin: germline. Affected: yes.
Comment: In silico analysis, which includes protein predictors and evolutionary conservation, supports a deleterious effect; Has not been previously published as pathogenic or benign to our knowledge; Variants in candidate genes are classified as variants of uncertain significance in accordance with ACMG guidelines (Richards et al., 2015)

NM_001394062.1(MACF1):c.12502C>T (p.Arg4168Cys)

Gene: MACF1 (microtubule actin crosslinking factor 1; plus strand). Cytogenetic location: 1p34.3.
Variant type: single nucleotide variant.
Coding change: c.12502C>T on transcript NM_001394062.1 (MANE Select); coding-DNA position 12502, C replaced by T.
Protein change: p.Arg4168Cys; replaces arginine 4168 with cysteine.
Molecular consequence: missense variant.
Genome position (GRCh38, 1-based): chr1:39,361,408, C>T. VCF-style: chr1-39361408-C-T. GRCh37 (hg19) VCF-style: chr1-39827080-C-T.
Other names: c.6316C>T, p.Arg2106Cys (NM_012090.5); c.6316C>T (NM_012090.4); short protein forms R2106C, R4168C.
Identifiers: ClinVar variation 1307630 (VCV001307630.4), dbSNP rs185769891, ClinGen allele CA781828.